The following is an entry in ClinVar:

NM_014271.4(IL1RAPL1):c.1395A>G (p.Arg465=)

Gene: IL1RAPL1 (interleukin 1 receptor accessory protein like 1; plus strand). Cytogenetic location: Xp21.2.
Variant type: single nucleotide variant.
Coding change: c.1395A>G on transcript NM_014271.4 (MANE Select); coding-DNA position 1395, A replaced by G.
Protein change: p.Arg465=; no amino-acid change (arginine 465 retained).
Molecular consequence: synonymous variant.
Genome position (GRCh38, 1-based): chrX:29,955,124, A>G. VCF-style: chrX-29955124-A-G. GRCh37 (hg19) VCF-style: chrX-29973241-A-G.
Identifiers: ClinVar variation 3351283 (VCV003351283.1).
Genomic context (GRCh38, chrX:29,955,124, plus strand): 5'-CATTCACTCATTTTGATGCACTCTTTTATCTTTTGTAGCATACATTGAAGATGTGGCAAG[A>G]TGTGTAGATCAAAGCAAGCGGCTGATTATTGTCATGACCCCAAATTACGTAGTTAGAAGG-3'
Protein context (NP_055086.1, residues 455-475): PTGTYIEDVA[Arg465=]CVDQSKRLII

ClinVar aggregate classification (germline): Likely benign (0 of 4 stars; one submission).

Conditions:
IL1RAPL1-related disorder. Also called: IL1RAPL1-related condition.

Submission:

PreventionGenetics, part of Exact Sciences
Classification: Likely benign for IL1RAPL1-related condition. Last evaluated: 2024-06-26. Review status: no assertion criteria provided. Collection method: clinical testing. Allele origin: germline.
Comment: This variant is classified as likely benign based on ACMG/AMP sequence variant interpretation guidelines (Richards et al. 2015 PMID: 25741868, with internal and published modifications).